The following is an entry in ClinVar:

ClinVar aggregate classification (germline): Uncertain significance (1 of 4 stars; one submission).

Allele frequency attached by ClinVar (database versions not stated): gnomAD exomes below 0.00001.
gnomAD v4.1: 3 of 1,604,750 alleles (0.00019%); highest among the groups gnomAD compares: Non-Finnish European, 0.00026%; no homozygotes.

Submission:

GeneDx
Classification: Uncertain significance. Last evaluated: 2020-12-22. Review status: criteria provided, single submitter. Criteria: GeneDx Variant Classification Process June 2021. Collection method: clinical testing. Allele origin: germline. Affected: yes.
Comment: Not observed in large population cohorts (Lek et al., 2016); In silico analysis, which includes protein predictors and evolutionary conservation, supports that this variant does not alter protein structure/function; Has not been previously published as pathogenic or benign to our knowledge

NM_014305.4(TGDS):c.582T>G (p.Ser194Arg)

Gene: TGDS (TDP-glucose 4,6-dehydratase; minus strand). Cytogenetic location: 13q32.1.
Variant type: single nucleotide variant.
Coding change: c.582T>G on transcript NM_014305.4 (MANE Select); coding-DNA position 582, T replaced by G.
Protein change: p.Ser194Arg; replaces serine 194 with arginine.
Molecular consequence: missense variant. On other transcripts: non-coding transcript variant (2).
Genome position (GRCh38, 1-based): chr13:94,579,927, A>C on the plus strand (T>G on the coding strand, the complement: TGDS is on the minus strand). VCF-style: chr13-94579927-A-C. GRCh37 (hg19) VCF-style: chr13-95232181-A-C.
Other names: c.486T>G, p.Ser162Arg (NM_001304430.2); short protein forms S162R, S194R.
Identifiers: ClinVar variation 1307216 (VCV001307216.2), dbSNP rs2139519010, ClinGen allele CA388394947.
Genomic context (GRCh38, chr13:94,579,927, plus strand): 5'-CACCATGAATTAAGAAGTAAAATTTACCTTTTCTGGATATTGATGTGGTCCATAAACATT[A>C]CTGCTTCTTGTGATGACAACTGGAAACTTAAAAGAATATCCAACATTAAGGCTTTTAAAA-3'
Protein context (NP_055120.1, residues 184-204): YKFPVVITRS[Ser194Arg]NVYGPHQYPE